The following is an entry in ClinVar:

ClinVar aggregate classification (germline): Uncertain significance. Review status: criteria provided, multiple submitters, no conflicts (2 of 4 stars). 2 submissions from 2 submitters: Uncertain significance (2). Last evaluated 2023-10-17.

Submissions (2):

Blueprint Genetics
Classification: Uncertain significance. Last evaluated: 2023-10-17. Review status: criteria provided, single submitter. Criteria: ACMG Guidelines, 2015. Collection method: clinical testing. Allele origin: germline.

Labcorp Genetics (formerly Invitae), Labcorp
Classification: Uncertain significance. Last evaluated: 2023-07-10. Review status: criteria provided, single submitter. Criteria: Invitae Variant Classification Sherloc (09022015). Collection method: clinical testing. Allele origin: germline.
Comment: In summary, the available evidence is currently insufficient to determine the role of this variant in disease. Therefore, it has been classified as a Variant of Uncertain Significance. An algorithm developed to predict the effect of missense changes on protein structure and function (PolyPhen-2) suggests that this variant is likely to be disruptive. ClinVar contains an entry for this variant (Variation ID: 1399573). This variant has not been reported in the literature in individuals affected with ATAD1-related conditions. This variant is not present in population databases (gnomAD no frequency). This sequence change replaces lysine, which is basic and polar, with glutamine, which is neutral and polar, at codon 165 of the ATAD1 protein (p.Lys165Gln).

NM_001321967.2(ATAD1):c.493A>C (p.Lys165Gln)

Gene: ATAD1 (ATPase family AAA domain containing 1; minus strand). Cytogenetic location: 10q23.31.
Variant type: single nucleotide variant.
Coding change: c.493A>C on transcript NM_001321967.2 (MANE Select); coding-DNA position 493, A replaced by C.
Protein change: p.Lys165Gln; replaces lysine 165 with glutamine.
Molecular consequence: missense variant. On other transcripts: non-coding transcript variant (1).
Genome position (GRCh38, 1-based): chr10:87,784,560, T>G on the plus strand (A>C on the coding strand, the complement: ATAD1 is on the minus strand). VCF-style: chr10-87784560-T-G. GRCh37 (hg19) VCF-style: chr10-89544317-T-G.
Other names: c.493A>C, p.Lys165Gln (NM_001321968.2, NM_032810.4); c.136A>C, p.Lys46Gln (NM_001321969.2); short protein forms K46Q, K165Q.
Identifiers: ClinVar variation 1399573 (VCV001399573.9), dbSNP rs2131886059, ClinGen allele CA377491222.